The following is an entry in ClinVar:

ClinVar aggregate classification (germline): Uncertain significance (1 of 4 stars; one submission).

Submission:

GeneDx
Classification: Uncertain significance. Last evaluated: 2024-06-27. Review status: criteria provided, single submitter. Criteria: GeneDx Variant Classification Process June 2021. Collection method: clinical testing. Allele origin: germline. Affected: yes.
Comment: Alters the Kozak sequence, which plays a major role in the initiation of translation; Not observed at significant frequency in large population cohorts (gnomAD); Has not been previously published as pathogenic or benign to our knowledge

NM_004463.3(FGD1):c.-2C>G

Gene: FGD1 (FYVE, RhoGEF and PH domain containing 1; minus strand). Cytogenetic location: Xp11.22.
Variant type: single nucleotide variant.
Coding change: c.-2C>G on transcript NM_004463.3 (MANE Select); 2 bases upstream of the start codon, C replaced by G.
Molecular consequence: 5 prime UTR variant.
Genome position (GRCh38, 1-based): chrX:54,495,434, G>C on the plus strand (C>G on the coding strand, the complement: FGD1 is on the minus strand). VCF-style: chrX-54495434-G-C. GRCh37 (hg19) VCF-style: chrX-54521867-G-C.
Identifiers: ClinVar variation 3392942 (VCV003392942.1).